The following is an entry in ClinVar:

ClinVar aggregate classification (germline): Benign (0 of 4 stars; one submission).

Conditions:
TEX15-related disorder. Also called: TEX15-related condition.

Allele frequency attached by ClinVar (database versions not stated): gnomAD 0.06130; TOPMed 0.07025; 1000 Genomes Project 0.07548; 1000 Genomes Project 30x 0.07761; ExAC 0.17831.
gnomAD v4.1: 79,029 of 1,369,114 alleles (5.8%); highest among the groups gnomAD compares: Admixed American, 22%; 3,110 homozygotes.

Submission:

PreventionGenetics, part of Exact Sciences
Classification: Benign for TEX15-related condition. Last evaluated: 2019-03-13. Review status: no assertion criteria provided. Collection method: clinical testing. Allele origin: germline.
Comment: This variant is classified as benign based on ACMG/AMP sequence variant interpretation guidelines (Richards et al. 2015 PMID: 25741868, with internal and published modifications).

NM_001350162.2(TEX15):c.261G>T (p.Leu87=)

Gene: TEX15 (testis expressed 15, meiosis and synapsis associated; minus strand). Cytogenetic location: 8p12.
Variant type: single nucleotide variant.
Coding change: c.261G>T on transcript NM_001350162.2 (MANE Select); coding-DNA position 261, G replaced by T.
Protein change: p.Leu87=; no amino-acid change (leucine 87 retained).
Molecular consequence: synonymous variant. On other transcripts: non-coding transcript variant (1).
Genome position (GRCh38, 1-based): chr8:30,874,978, C>A on the plus strand (G>T on the coding strand, the complement: TEX15 is on the minus strand). VCF-style: chr8-30874978-C-A. GRCh37 (hg19) VCF-style: chr8-30732494-C-A.
Identifiers: ClinVar variation 3060166 (VCV003060166.2), dbSNP rs929917, ClinGen allele CA4703750.